The following is an entry in ClinVar:

ClinVar aggregate classification (germline): Uncertain significance (1 of 4 stars; one submission).

Allele frequency attached by ClinVar (database versions not stated): gnomAD 0.00001; gnomAD exomes 0.00001; TOPMed 0.00002.
gnomAD v4.1: 5 of 1,610,980 alleles (0.00031%); highest among the groups gnomAD compares: Non-Finnish European, 0.00042%; no homozygotes.

Submission:

Labcorp Genetics (formerly Invitae), Labcorp
Classification: Uncertain significance. Last evaluated: 2021-05-31. Review status: criteria provided, single submitter. Criteria: Invitae Variant Classification Sherloc (09022015). Collection method: clinical testing. Allele origin: germline.
Comment: This sequence change replaces glutamic acid with glutamine at codon 215 of the APOA1 protein (p.Glu215Gln). The glutamic acid residue is highly conserved and there is a small physicochemical difference between glutamic acid and glutamine. This variant is not present in population databases (ExAC no frequency). This variant has not been reported in the literature in individuals with APOA1-related conditions. Algorithms developed to predict the effect of missense changes on protein structure and function output the following: SIFT: "Not Available"; PolyPhen-2: "Benign"; Align-GVGD: "Not Available". The glutamine amino acid residue is found in multiple mammalian species, suggesting that this missense change does not adversely affect protein function. These predictions have not been confirmed by published functional studies and their clinical significance is uncertain. In summary, the available evidence is currently insufficient to determine the role of this variant in disease. Therefore, it has been classified as a Variant of Uncertain Significance.

NM_000039.3(APOA1):c.643G>C (p.Glu215Gln)

Gene: APOA1 (apolipoprotein A1; minus strand). Cytogenetic location: 11q23.3.
Variant type: single nucleotide variant.
Coding change: c.643G>C on transcript NM_000039.3 (MANE Select); coding-DNA position 643, G replaced by C.
Protein change: p.Glu215Gln; replaces glutamic acid 215 with glutamine.
Molecular consequence: missense variant.
Genome position (GRCh38, 1-based): chr11:116,835,969, C>G on the plus strand (G>C on the coding strand, the complement: APOA1 is on the minus strand). VCF-style: chr11-116835969-C-G. GRCh37 (hg19) VCF-style: chr11-116706685-C-G.
Other names: c.643G>C, p.Glu215Gln (NM_001318017.2, NM_001318018.2); c.316G>C, p.Glu106Gln (NM_001318021.2); short protein forms E106Q, E215Q.
Identifiers: ClinVar variation 1430668 (VCV001430668.8), dbSNP rs1056422827, ClinGen allele CA229324035.